The following is an entry in ClinVar:

NM_001103.4(ACTN2):c.1975-6C>T

Gene: ACTN2 (actinin alpha 2; plus strand). Cytogenetic location: 1q43.
Variant type: single nucleotide variant.
Coding change: c.1975-6C>T on transcript NM_001103.4 (MANE Select); 6 bases into the intron before coding-DNA position 1975, C replaced by T.
Molecular consequence: intron variant.
Genome position (GRCh38, 1-based): chr1:236,755,013, C>T. VCF-style: chr1-236755013-C-T. GRCh37 (hg19) VCF-style: chr1-236918313-C-T.
Other names: c.1351-6C>T (NM_001278344.2); c.1975-6C>T (NM_001278343.2).
Identifiers: ClinVar variation 703169 (VCV000703169.15), dbSNP rs201255023, ClinGen allele CA1473319.

ClinVar aggregate classification (germline): Likely benign. Review status: criteria provided, multiple submitters, no conflicts (2 of 4 stars). 3 submissions from 3 submitters: Likely benign (3). Last evaluated 2026-03-04.

Conditions:
ACTN2-related disorder. Also called: ACTN2 related condition; ACTN2-related disorders.
Primary familial hypertrophic cardiomyopathy (HCM). Identifiers: Orphanet 99739, MedGen C0949658, MeSH D024741, MONDO:0024573. Inheritance: Various modes of inheritance.
Dilated cardiomyopathy 1AA (CMD1AA). Also called: CARDIOMYOPATHY, DILATED, 1AA, WITH OR WITHOUT LEFT VENTRICULAR NONCOMPACTION; CARDIOMYOPATHY, FAMILIAL HYPERTROPHIC, 23, WITH OR WITHOUT LEFT VENTRICULAR NONCOMPACTION; Cardiomyopathy, dilated, 1AA, with or without LVNC. Identifiers: Orphanet 154, MedGen C2677338, MONDO:0012808, OMIM 612158.

Allele frequency attached by ClinVar (database versions not stated): TOPMed 0.00003; 1000 Genomes Project 30x 0.00047; 1000 Genomes Project 0.00060.
gnomAD v4.1: 202 of 1,614,188 alleles (0.013%); highest among the groups gnomAD compares: East Asian, 0.43%; no homozygotes.

Submissions (3):

PreventionGenetics, part of Exact Sciences
Classification: Likely benign for ACTN2-related condition. Last evaluated: 2026-03-04. Review status: criteria provided, single submitter. Criteria: ACMG Guidelines, 2015. Collection method: clinical testing. Allele origin: germline.
Comment: This variant is classified as likely benign based on ACMG/AMP sequence variant interpretation guidelines (Richards et al. 2015 PMID: 25741868, with internal and published modifications).

Labcorp Genetics (formerly Invitae), Labcorp
Classification: Likely benign for Primary familial hypertrophic cardiomyopathy; Dilated cardiomyopathy 1AA. Last evaluated: 2026-01-28. Review status: criteria provided, single submitter. Criteria: Invitae Variant Classification Sherloc (09022015). Collection method: clinical testing. Allele origin: germline.

Blueprint Genetics
Classification: Likely benign. Last evaluated: 2024-06-24. Review status: criteria provided, single submitter. Criteria: ACMG Guidelines, 2015. Collection method: clinical testing. Allele origin: germline.